The following is an entry in ClinVar:

ClinVar aggregate classification (germline): Uncertain significance (1 of 4 stars; one submission).

Conditions:
Au-Kline syndrome. Also called: Neurodevelopmental disorder-craniofacial dysmorphism-cardiac defect-hip dysplasia syndrome due to a point mutation; Okamoto syndrome. Identifiers: Orphanet 2729, Orphanet 453499, Orphanet 453504, MedGen C4225274, MONDO:0014700, OMIM 616580.

Submission:

3billion
Classification: Uncertain significance for Au-Kline syndrome. Last evaluated: 2025-02-20. Review status: criteria provided, single submitter. Criteria: ACMG Guidelines, 2015. Collection method: clinical testing. Allele origin: germline. Affected: yes.
Comment: The variant is not observed in the gnomAD v4.1.0 dataset. Predicted Consequence/Location: Missense variant In silico tool predictions suggest damaging effect of the variant on gene or gene product [3Cnet: 0.90 (>=0.6, sensitivity 0.72 and precision 0.9)]. Therefore, this variant is classified as VUS according to the recommendation of ACMG/AMP guideline.

NM_031263.4(HNRNPK):c.205C>T (p.Arg69Cys)

Gene: HNRNPK (heterogeneous nuclear ribonucleoprotein K; minus strand). Cytogenetic location: 9q21.32.
Variant type: single nucleotide variant.
Coding change: c.205C>T on transcript NM_031263.4 (MANE Select); coding-DNA position 205, C replaced by T.
Protein change: p.Arg69Cys; replaces arginine 69 with cysteine.
Molecular consequence: missense variant.
Genome position (GRCh38, 1-based): chr9:83,977,003, G>A on the plus strand (C>T on the coding strand, the complement: HNRNPK is on the minus strand). VCF-style: chr9-83977003-G-A. GRCh37 (hg19) VCF-style: chr9-86591918-G-A.
Other names: c.205C>T, p.Arg69Cys (NM_001318186.2, NM_001318187.2, NM_001318188.2 and 2 more transcripts); short protein forms R69C.
Identifiers: ClinVar variation 4293093 (VCV004293093.1).
Genomic context (GRCh38, chr9:83,977,003, plus strand): 5'-AGACATATAAACTGAAGCTGCTCGTGTAGTAGTTTAAACTCTTAATACTTACGTCTGTAC[G>A]GAGAGCCTTAATATTCTTGCCTCCTTTTCCAATCACTGCCCCAGCATTCTGGAGAAGATA-3'
Protein context (NP_112553.1, residues 59-79): GKGGKNIKAL[Arg69Cys]TDYNASVSVP